The following is an entry in ClinVar:

ClinVar aggregate classification (germline): Uncertain significance (1 of 4 stars; one submission).

Conditions:
Intellectual developmental disorder, autosomal dominant 6, with or without seizures. Also called: GRIN2B-related developmental delay, intellectual disability and autism spectrum disorder; Intellectual disability, autosomal dominant 6. Identifiers: Orphanet 589547, MedGen C3151411, MONDO:0013509, OMIM 613970.
Developmental and epileptic encephalopathy, 27 (DEE27). Also called: Epileptic encephalopathy, early infantile, 27; GRIN2B-Related Neurodevelopmental Disorder. Identifiers: Orphanet 3451, MedGen C4015316, MONDO:0014505, OMIM 616139.

Submission:

Labcorp Genetics (formerly Invitae), Labcorp
Classification: Uncertain significance for Developmental and epileptic encephalopathy, 27; Intellectual developmental disorder, autosomal dominant 6, with or without seizures. Last evaluated: 2023-07-17. Review status: criteria provided, single submitter. Criteria: Invitae Variant Classification Sherloc (09022015). Collection method: clinical testing. Allele origin: germline.
Comment: This sequence change replaces serine, which is neutral and polar, with leucine, which is neutral and non-polar, at codon 1355 of the GRIN2B protein (p.Ser1355Leu). This variant is not present in population databases (gnomAD no frequency). This variant has not been reported in the literature in individuals affected with GRIN2B-related conditions. Advanced modeling of protein sequence and biophysical properties (such as structural, functional, and spatial information, amino acid conservation, physicochemical variation, residue mobility, and thermodynamic stability) performed at Invitae indicates that this missense variant is not expected to disrupt GRIN2B protein function. In summary, the available evidence is currently insufficient to determine the role of this variant in disease. Therefore, it has been classified as a Variant of Uncertain Significance.

NM_000834.5(GRIN2B):c.4064C>T (p.Ser1355Leu)

Gene: GRIN2B (glutamate ionotropic receptor NMDA type subunit 2B; minus strand). Cytogenetic location: 12p13.1.
Variant type: single nucleotide variant.
Coding change: c.4064C>T on transcript NM_000834.5 (MANE Select); coding-DNA position 4064, C replaced by T.
Protein change: p.Ser1355Leu; replaces serine 1355 with leucine.
Molecular consequence: missense variant.
Genome position (GRCh38, 1-based): chr12:13,563,174, G>A on the plus strand (C>T on the coding strand, the complement: GRIN2B is on the minus strand). VCF-style: chr12-13563174-G-A. GRCh37 (hg19) VCF-style: chr12-13716108-G-A.
Other names: c.4064C>T, p.Ser1355Leu (NM_001413992.1); short protein forms S1355L.
Identifiers: ClinVar variation 2949545 (VCV002949545.3), dbSNP rs2497465789, ClinGen allele CA383986726.